The following is an entry in ClinVar:

NM_005898.5(CAPRIN1):c.1660C>T (p.His554Tyr)

Gene: CAPRIN1 (cell cycle associated protein 1; plus strand). Cytogenetic location: 11p13.
Variant type: single nucleotide variant.
Coding change: c.1660C>T on transcript NM_005898.5 (MANE Select); coding-DNA position 1660, C replaced by T.
Protein change: p.His554Tyr; replaces histidine 554 with tyrosine.
Molecular consequence: missense variant.
Genome position (GRCh38, 1-based): chr11:34,092,011, C>T. VCF-style: chr11-34092011-C-T. GRCh37 (hg19) VCF-style: chr11-34113558-C-T.
Other names: c.1660C>T, p.His554Tyr (NM_203364.3); short protein forms H554Y.
Identifiers: ClinVar variation 1712044 (VCV001712044.3), dbSNP rs2496103618, ClinGen allele CA380032014.

ClinVar aggregate classification (germline): Likely pathogenic (1 of 4 stars; one submission).

Submission:

GeneDx
Classification: Likely pathogenic. Last evaluated: 2024-02-07. Review status: criteria provided, single submitter. Criteria: GeneDx Variant Classification Process June 2021. Collection method: clinical testing. Allele origin: germline. Affected: yes.
Comment: Not observed at significant frequency in large population cohorts (gnomAD); In silico analysis supports that this missense variant has a deleterious effect on protein structure/function; Has not been previously published as pathogenic or benign to our knowledge